The following is an entry in ClinVar:

ClinVar aggregate classification (germline): Uncertain significance (1 of 4 stars; one submission).

Conditions:
Charcot-Marie-Tooth disease axonal type 2O. Also called: CHARCOT-MARIE-TOOTH NEUROPATHY, AXONAL, TYPE 2O; CHARCOT-MARIE-TOOTH DISEASE, AXONAL, AUTOSOMAL DOMINANT, TYPE 2O; Charcot-Marie-Tooth Neuropathy Type 2O; Charcot-Marie-Tooth disease, axonal, type 20. Identifiers: Orphanet 284232, MedGen C3280220, MONDO:0013644, OMIM 614228.

Allele frequency attached by ClinVar (database versions not stated): gnomAD exomes below 0.00001.
gnomAD v4.1: 1 of 1,614,142 alleles (0.000062%); highest among the groups gnomAD compares: Non-Finnish European, 0.000085%; no homozygotes.

Submission:

Labcorp Genetics (formerly Invitae), Labcorp
Classification: Uncertain significance for Charcot-Marie-Tooth disease axonal type 2O. Last evaluated: 2023-06-23. Review status: criteria provided, single submitter. Criteria: Invitae Variant Classification Sherloc (09022015). Collection method: clinical testing. Allele origin: germline.
Comment: This sequence change replaces alanine, which is neutral and non-polar, with glycine, which is neutral and non-polar, at codon 377 of the DYNC1H1 protein (p.Ala377Gly). This variant is not present in population databases (gnomAD no frequency). In summary, the available evidence is currently insufficient to determine the role of this variant in disease. Therefore, it has been classified as a Variant of Uncertain Significance. This variant has not been reported in the literature in individuals affected with DYNC1H1-related conditions. Advanced modeling of protein sequence and biophysical properties (such as structural, functional, and spatial information, amino acid conservation, physicochemical variation, residue mobility, and thermodynamic stability) performed at Invitae indicates that this missense variant is expected to disrupt DYNC1H1 protein function.

NM_001376.5(DYNC1H1):c.1130C>G (p.Ala377Gly)

Gene: DYNC1H1 (dynein cytoplasmic 1 heavy chain 1; plus strand). Cytogenetic location: 14q32.31.
Variant type: single nucleotide variant.
Coding change: c.1130C>G on transcript NM_001376.5 (MANE Select); coding-DNA position 1130, C replaced by G.
Protein change: p.Ala377Gly; replaces alanine 377 with glycine.
Molecular consequence: missense variant.
Genome position (GRCh38, 1-based): chr14:101,983,187, C>G. VCF-style: chr14-101983187-C-G. GRCh37 (hg19) VCF-style: chr14-102449524-C-G.
Other names: short protein forms A377G.
Identifiers: ClinVar variation 2725478 (VCV002725478.3), dbSNP rs2503685710, ClinGen allele CA391013366.
Genomic context (GRCh38, chr14:101,983,187, plus strand): 5'-TTGTTGCCATTTTCACACATTTGAGAAAGATCCGAAACACAAAATATCCTATTCAGAGGG[C>G]ACTGCGTTTGGTGGAGGCAATTTCAAGAGACTTGAGTTCTCAATTACTCAAAGTATTGGG-3'
Protein context (NP_001367.2, residues 367-387): IRNTKYPIQR[Ala377Gly]LRLVEAISRD